The following is an entry in ClinVar:

NM_000552.5(VWF):c.4577A>G (p.Gln1526Arg)

Gene: VWF (von Willebrand factor; minus strand). Cytogenetic location: 12p13.31.
Variant type: single nucleotide variant.
Coding change: c.4577A>G on transcript NM_000552.5 (MANE Select); coding-DNA position 4577, A replaced by G.
Protein change: p.Gln1526Arg; replaces glutamine 1526 with arginine.
Molecular consequence: missense variant.
Genome position (GRCh38, 1-based): chr12:6,018,841, T>C on the plus strand (A>G on the coding strand, the complement: VWF is on the minus strand). VCF-style: chr12-6018841-T-C. GRCh37 (hg19) VCF-style: chr12-6128007-T-C.
Other names: c.4577A>G (NM_000552.4); short protein forms Q1526R.
Identifiers: ClinVar variation 3189446 (VCV003189446.2), dbSNP rs755528551, ClinGen allele CA6402507.

ClinVar aggregate classification (germline): Conflicting classifications of pathogenicity. Review status: criteria provided, conflicting classifications (1 of 4 stars). 2 submissions from 2 submitters: Uncertain significance (1); Likely benign (1). Last evaluated 2025-02-21.

Conditions:
Inborn genetic diseases. Identifiers: MedGen C0950123, MeSH D030342.

Allele frequency attached by ClinVar (database versions not stated): gnomAD exomes 0.00002; TOPMed 0.00002; ExAC 0.00003.
gnomAD v4.1: 10 of 1,613,948 alleles (0.00062%); highest among the groups gnomAD compares: Admixed American, 0.017%; no homozygotes.

Submissions (2):

Quest Diagnostics Nichols Institute San Juan Capistrano
Classification: Uncertain significance. Last evaluated: 2025-02-21. Review status: criteria provided, single submitter. Criteria: Quest Diagnostics criteria. Collection method: clinical testing. Allele origin: unknown.
Comment: The VWF c.4577A>G (p.Gln1526Arg) variant has not been reported in individuals with VWF-related conditions in the published literature. The frequency of this variant in the general population (Genome Aggregation Database) is uninformative in the assessment of its pathogenicity. Analysis of this variant using bioinformatics tools for the prediction of the effect of amino acid changes on protein structure and function yielded predictions that this variant is benign. Based on the available information, we are unable to determine the clinical significance of this variant.

Ambry Genetics
Classification: Likely benign for Inborn genetic diseases. Last evaluated: 2023-12-18. Review status: criteria provided, single submitter. Criteria: Ambry Variant Classification Scheme 2023. Collection method: clinical testing. Allele origin: germline.